The following is an entry in ClinVar:

ClinVar aggregate classification (germline): Uncertain significance (1 of 4 stars; one submission).

Conditions:
Fanconi anemia (FA). Also called: Fanconi's anemia. Identifiers: Orphanet 84, MedGen C0015625, MeSH D005199, MONDO:0019391.

Allele frequency attached by ClinVar (database versions not stated): gnomAD exomes below 0.00001; TOPMed below 0.00001; gnomAD 0.00001.
gnomAD v4.1: 4 of 1,614,076 alleles (0.00025%); highest among the groups gnomAD compares: Admixed American, 0.0017%; no homozygotes.

Submission:

Labcorp Genetics (formerly Invitae), Labcorp
Classification: Uncertain significance for Fanconi anemia. Last evaluated: 2023-08-31. Review status: criteria provided, single submitter. Criteria: Invitae Variant Classification Sherloc (09022015). Collection method: clinical testing. Allele origin: germline.
Comment: In summary, the available evidence is currently insufficient to determine the role of this variant in disease. Therefore, it has been classified as a Variant of Uncertain Significance. Algorithms developed to predict the effect of missense changes on protein structure and function output the following: SIFT: "Not Available"; PolyPhen-2: "Benign"; Align-GVGD: "Not Available". The methionine amino acid residue is found in multiple mammalian species, which suggests that this missense change does not adversely affect protein function. ClinVar contains an entry for this variant (Variation ID: 1903312). This variant has not been reported in the literature in individuals affected with SLX4-related conditions. This variant is present in population databases (no rsID available, gnomAD 0.003%). This sequence change replaces valine, which is neutral and non-polar, with methionine, which is neutral and non-polar, at codon 143 of the SLX4 protein (p.Val143Met).

NM_032444.4(SLX4):c.427G>A (p.Val143Met)

Gene: SLX4 (SLX4 structure-specific endonuclease subunit; minus strand). Cytogenetic location: 16p13.3.
Variant type: single nucleotide variant.
Coding change: c.427G>A on transcript NM_032444.4 (MANE Select); coding-DNA position 427, G replaced by A.
Protein change: p.Val143Met; replaces valine 143 with methionine.
Molecular consequence: missense variant.
Genome position (GRCh38, 1-based): chr16:3,608,538, C>T on the plus strand (G>A on the coding strand, the complement: SLX4 is on the minus strand). VCF-style: chr16-3608538-C-T. GRCh37 (hg19) VCF-style: chr16-3658539-C-T.
Other names: short protein forms V143M.
Identifiers: ClinVar variation 1903312 (VCV001903312.5), dbSNP rs1051810795, ClinGen allele CA276971075.
Genomic context (GRCh38, chr16:3,608,538, plus strand): 5'-CCGTCTGGGTGTTTTGTGCTGTTTCCCGGAGCACAGGTGGATCTGGAGCAGAGGCAAGCA[C>T]ACCCCCCTCCCCATTCACAGAGTGGGCCGGTTCACTTGCTTGCCATTTGGTTACCCTTTG-3'
Protein context (NP_115820.2, residues 133-153): PAHSVNGEGG[Val143Met]LASAPDPPVL